The following is an entry in ClinVar:

ClinVar aggregate classification (germline): Likely benign (0 of 4 stars; one submission).

Conditions:
BBS9-related disorder. Also called: BBS9-related condition.

gnomAD v4.1: 4 of 1,612,178 alleles (0.00025%); highest among the groups gnomAD compares: African/African-American, 0.0013%; no homozygotes.

Submission:

PreventionGenetics, part of Exact Sciences
Classification: Likely benign for BBS9-related condition. Last evaluated: 2022-05-13. Review status: no assertion criteria provided. Collection method: clinical testing. Allele origin: germline.
Comment: This variant is classified as likely benign based on ACMG/AMP sequence variant interpretation guidelines (Richards et al. 2015 PMID: 25741868, with internal and published modifications).

NM_198428.3(BBS9):c.*6G>A

Gene: BBS9 (Bardet-Biedl syndrome 9; plus strand). Cytogenetic location: 7p14.3.
Variant type: single nucleotide variant.
Coding change: c.*6G>A on transcript NM_198428.3 (MANE Select); 6 bases downstream of the stop codon, G replaced by A.
Molecular consequence: 3 prime UTR variant. On other transcripts: non-coding transcript variant (3), intron variant (2).
Genome position (GRCh38, 1-based): chr7:33,605,232, G>A. VCF-style: chr7-33605232-G-A. GRCh37 (hg19) VCF-style: chr7-33644844-G-A.
Other names: c.*6G>A (NM_001033604.2, NM_001033605.2, NM_001348036.1 and 10 more transcripts); c.2522-29945G>A (NM_001362679.1); c.2632+257G>A (NM_001348041.4).
Identifiers: ClinVar variation 3354757 (VCV003354757.1).